The following is an entry in ClinVar:

ClinVar aggregate classification (germline): Uncertain significance. Review status: criteria provided, multiple submitters, no conflicts (2 of 4 stars). 2 submissions from 2 submitters: Uncertain significance (2). Last evaluated 2024-03-28.

Conditions:
Colorectal cancer, hereditary nonpolyposis, type 7. Identifiers: Orphanet 144, MedGen C1858380, MONDO:0013725, OMIM 614385.

Allele frequency attached by ClinVar (database versions not stated): gnomAD exomes below 0.00001.
gnomAD v4.1: 1 of 1,614,154 alleles (0.000062%); highest among the groups gnomAD compares: African/African-American, 0.0013%; no homozygotes.

Submissions (2):

Labcorp Genetics (formerly Invitae), Labcorp
Classification: Uncertain significance for Colorectal cancer, hereditary nonpolyposis, type 7. Last evaluated: 2024-03-28. Review status: criteria provided, single submitter. Criteria: Invitae Variant Classification Sherloc (09022015). Collection method: clinical testing. Allele origin: germline.
Comment: This sequence change replaces methionine, which is neutral and non-polar, with isoleucine, which is neutral and non-polar, at codon 61 of the MLH3 protein (p.Met61Ile). This variant is not present in population databases (gnomAD no frequency). This variant has not been reported in the literature in individuals affected with MLH3-related conditions. Algorithms developed to predict the effect of missense changes on protein structure and function output the following: SIFT: "Not Available"; PolyPhen-2: "Benign"; Align-GVGD: "Not Available". The isoleucine amino acid residue is found in multiple mammalian species, which suggests that this missense change does not adversely affect protein function. In summary, the available evidence is currently insufficient to determine the role of this variant in disease. Therefore, it has been classified as a Variant of Uncertain Significance.

Ambry Genetics
Classification: Uncertain significance. Last evaluated: 2023-12-25. Review status: criteria provided, single submitter. Criteria: Ambry Variant Classification Scheme 2023. Collection method: clinical testing. Allele origin: germline.
Comment: The p.M61I variant (also known as c.183G>A), located in coding exon 1 of the MLH3 gene, results from a G to A substitution at nucleotide position 183. The methionine at codon 61 is replaced by isoleucine, an amino acid with highly similar properties. This amino acid position is conserved. In addition, this alteration is predicted to be tolerated by in silico analysis. Since supporting evidence is limited at this time, the clinical significance of this alteration remains unclear.

NM_001040108.2(MLH3):c.183G>A (p.Met61Ile)

Gene: MLH3 (mutL homolog 3; minus strand). Cytogenetic location: 14q24.3.
Variant type: single nucleotide variant.
Coding change: c.183G>A on transcript NM_001040108.2 (MANE Select); coding-DNA position 183, G replaced by A.
Protein change: p.Met61Ile; replaces methionine 61 with isoleucine.
Molecular consequence: missense variant.
Genome position (GRCh38, 1-based): chr14:75,049,473, C>T on the plus strand (G>A on the coding strand, the complement: MLH3 is on the minus strand). VCF-style: chr14-75049473-C-T. GRCh37 (hg19) VCF-style: chr14-75516176-C-T.
Other names: c.183G>A, p.Met61Ile (NM_014381.3); short protein forms M61I.
Identifiers: ClinVar variation 3232459 (VCV003232459.3), dbSNP rs2139611827, ClinGen allele CA390451401.